The following is an entry in ClinVar:

NM_001363711.2(DUOX2):c.2048G>A (p.Arg683His)

Gene: DUOX2 (dual oxidase 2; minus strand). Cytogenetic location: 15q21.1.
Variant type: single nucleotide variant.
Coding change: c.2048G>A on transcript NM_001363711.2 (MANE Select); coding-DNA position 2048, G replaced by A.
Protein change: p.Arg683His; replaces arginine 683 with histidine.
Molecular consequence: missense variant.
Genome position (GRCh38, 1-based): chr15:45,106,225, C>T on the plus strand (G>A on the coding strand, the complement: DUOX2 is on the minus strand). VCF-style: chr15-45106225-C-T. GRCh37 (hg19) VCF-style: chr15-45398423-C-T.
Other names: c.2048G>A, p.Arg683His (NM_014080.5); short protein forms R683H.
Identifiers: ClinVar variation 2186650 (VCV002186650.3), dbSNP rs8028305, ClinGen allele CA7538398.

ClinVar aggregate classification (germline): Uncertain significance (1 of 4 stars; one submission).

gnomAD v4.1: 37 of 1,614,020 alleles (0.0023%); highest among the groups gnomAD compares: African/African-American, 0.0053%; no homozygotes.

Submission:

Labcorp Genetics (formerly Invitae), Labcorp
Classification: Uncertain significance. Last evaluated: 2024-11-27. Review status: criteria provided, single submitter. Criteria: Invitae Variant Classification Sherloc (09022015). Collection method: clinical testing. Allele origin: germline.
Comment: This sequence change replaces arginine, which is basic and polar, with histidine, which is basic and polar, at codon 683 of the DUOX2 protein (p.Arg683His). This variant is present in population databases (rs8028305, gnomAD 0.005%). This variant has not been reported in the literature in individuals affected with DUOX2-related conditions. ClinVar contains an entry for this variant (Variation ID: 2186650). Invitae Evidence Modeling of protein sequence and biophysical properties (such as structural, functional, and spatial information, amino acid conservation, physicochemical variation, residue mobility, and thermodynamic stability) indicates that this missense variant is expected to disrupt DUOX2 protein function with a positive predictive value of 80%. In summary, the available evidence is currently insufficient to determine the role of this variant in disease. Therefore, it has been classified as a Variant of Uncertain Significance.